The following is an entry in ClinVar:

ClinVar aggregate classification (germline): Uncertain significance (1 of 4 stars; one submission).

Conditions:
Pityriasis rubra pilaris (PRP). Also called: Pityriasis rubra pilaris--familial type. Identifiers: Orphanet 2897, MedGen C0032027, MONDO:0100017, OMIM 173200, MONDO:0008251.
Psoriasis 2. Identifiers: MedGen C1864497, MONDO:0011269, OMIM 602723.

Submission:

Labcorp Genetics (formerly Invitae), Labcorp
Classification: Uncertain significance for Pityriasis rubra pilaris; Psoriasis 2. Last evaluated: 2021-03-18. Review status: criteria provided, single submitter. Criteria: Invitae Variant Classification Sherloc (09022015). Collection method: clinical testing. Allele origin: germline.
Comment: This sequence change creates a premature translational stop signal (p.Val646Trpfs*9) in the CARD14 gene. It is expected to result in an absent or disrupted protein product. However, the current clinical and genetic evidence is not sufficient to establish whether loss-of-function variants in CARD14 cause disease. This variant is not present in population databases (ExAC no frequency). This variant has not been reported in the literature in individuals with CARD14-related conditions. Algorithms developed to predict the effect of sequence changes on RNA splicing suggest that this variant may create or strengthen a splice site, but this prediction has not been confirmed by published transcriptional studies. In summary, the available evidence is currently insufficient to determine the role of this variant in disease. Therefore, it has been classified as a Variant of Uncertain Significance.

NM_001366385.1(CARD14):c.1936del (p.Val646fs)

Genes: SGSH (N-sulfoglucosamine sulfohydrolase; minus strand), CARD14 (caspase recruitment domain family member 14; plus strand). Cytogenetic location: 17q25.3.
Variant type: Deletion.
Coding change: c.1936del on transcript NM_001366385.1 (MANE Select); coding-DNA position 1936, one base deleted (G; older notation c.1936delG).
Protein change: p.Val646fs; shifts the reading frame from valine 646.
Molecular consequence: frameshift variant. On other transcripts: non-coding transcript variant (1).
Genome position (GRCh38, 1-based): chr17:80,201,828, G deleted; the last of 3 consecutive G bases (chr17:80,201,826-80,201,828); deleting any one gives the same sequence. VCF-style (leftmost placement, unchanged base first): chr17-80201825-AG-A. GRCh37 (hg19) VCF-style: chr17-78175624-AG-A.
Other names: c.1936del, p.Val646fs (NM_001257970.1, NM_024110.4); short protein forms V646fs.
Identifiers: ClinVar variation 1351156 (VCV001351156.1), dbSNP rs1457086329, ClinGen allele CA628019222.